The following is an entry in ClinVar:

NM_001267550.2(TTN):c.14783T>C (p.Leu4928Pro)

Gene: TTN (titin; minus strand). Cytogenetic location: 2q31.2.
Variant type: single nucleotide variant.
Coding change: c.14783T>C on transcript NM_001267550.2 (MANE Select); coding-DNA position 14783, T replaced by C.
Protein change: p.Leu4928Pro; replaces leucine 4928 with proline.
Molecular consequence: missense variant. On other transcripts: intron variant (3).
Genome position (GRCh38, 1-based): chr2:178,735,663, A>G on the plus strand (T>C on the coding strand, the complement: TTN is on the minus strand). VCF-style: chr2-178735663-A-G. GRCh37 (hg19) VCF-style: chr2-179600390-A-G.
Other names: c.13832T>C, p.Leu4611Pro (NM_001256850.1); c.11051T>C, p.Leu3684Pro (NM_133378.4); c.13282+2419T>C (NM_003319.4); c.13858+2419T>C (NM_133437.4); c.13657+2419T>C (NM_133432.3); short protein forms L3684P, L4611P, L4928P.
Identifiers: ClinVar variation 1307906 (VCV001307906.4), dbSNP rs1347273297, ClinGen allele CA349596961.

ClinVar aggregate classification (germline): Uncertain significance. Review status: criteria provided, multiple submitters, no conflicts (2 of 4 stars). 2 submissions from 2 submitters: Uncertain significance (2). Last evaluated 2020-02-04.

Allele frequency attached by ClinVar (database versions not stated): TOPMed below 0.00001.

Submissions (2):

Revvity Omics, Revvity
Classification: Uncertain significance. Last evaluated: 2020-02-04. Review status: criteria provided, single submitter. Criteria: ACMG Guidelines, 2015. Collection method: clinical testing. Allele origin: germline.

GeneDx
Classification: Uncertain significance. Last evaluated: 2019-08-16. Review status: criteria provided, single submitter. Criteria: GeneDx Variant Classification Process June 2021. Collection method: clinical testing. Allele origin: germline. Affected: yes.
Comment: Has not been previously published as pathogenic or benign to our knowledge; Not observed in large population cohorts (Lek et al., 2016); In silico analysis, which includes splice predictors and evolutionary conservation, supports that this variant does not alter protein structure/function; Missense variant in a gene in which most reported pathogenic variants are truncating/loss-of-function; Not located in the A-band nor the M-line region of titin, where the majority of pathogenic truncating variants have been reported